The following is an entry in ClinVar:

ClinVar aggregate classification (germline): Uncertain significance (1 of 4 stars; one submission).

Conditions:
Neuropathy, hereditary sensory and autonomic, type 2A (HSAN2A). Also called: HSAN IIA; WNK1-Related HSAN2 (HSAN2A); ACROOSTEOLYSIS, GIACCAI TYPE; ACROOSTEOLYSIS, NEUROGENIC; MORVAN DISEASE; NEUROPATHY, CONGENITAL SENSORY. Identifiers: Orphanet 970, MedGen C2752089, MONDO:0024309, OMIM 201300.
Pseudohypoaldosteronism type 2C (PHA2C). Also called: Pseudohypoaldosteronism Type IIC. Identifiers: Orphanet 757, Orphanet 88940, MedGen C1840391, MONDO:0013778, OMIM 614492.

Allele frequency attached by ClinVar (database versions not stated): gnomAD exomes below 0.00001; ExAC 0.00001; gnomAD 0.00001; TOPMed 0.00001.
gnomAD v4.1: 6 of 1,612,014 alleles (0.00037%); highest among the groups gnomAD compares: African/African-American, 0.0013%; no homozygotes.

Submission:

Labcorp Genetics (formerly Invitae), Labcorp
Classification: Uncertain significance for Neuropathy, hereditary sensory and autonomic, type 2A; Pseudohypoaldosteronism type 2C. Last evaluated: 2024-09-06. Review status: criteria provided, single submitter. Criteria: Invitae Variant Classification Sherloc (09022015). Collection method: clinical testing. Allele origin: germline.
Comment: This sequence change replaces arginine, which is basic and polar, with lysine, which is basic and polar, at codon 55 of the WNK1 protein (p.Arg55Lys). This variant is present in population databases (rs758676601, gnomAD 0.001%). This variant has not been reported in the literature in individuals affected with WNK1-related conditions. Invitae Evidence Modeling of protein sequence and biophysical properties (such as structural, functional, and spatial information, amino acid conservation, physicochemical variation, residue mobility, and thermodynamic stability) indicates that this missense variant is not expected to disrupt WNK1 protein function with a negative predictive value of 95%. In summary, the available evidence is currently insufficient to determine the role of this variant in disease. Therefore, it has been classified as a Variant of Uncertain Significance.

NM_018979.4(WNK1):c.164G>A (p.Arg55Lys)

Gene: WNK1 (WNK lysine deficient protein kinase 1; plus strand). Cytogenetic location: 12p13.33.
Variant type: single nucleotide variant.
Coding change: c.164G>A on transcript NM_018979.4 (MANE Select); coding-DNA position 164, G replaced by A.
Protein change: p.Arg55Lys; replaces arginine 55 with lysine.
Molecular consequence: missense variant.
Genome position (GRCh38, 1-based): chr12:753,729, G>A. VCF-style: chr12-753729-G-A. GRCh37 (hg19) VCF-style: chr12-862895-G-A.
Other names: c.164G>A, p.Arg55Lys (NM_213655.5, NM_001184985.2, NM_014823.3); short protein forms R55K.
Identifiers: ClinVar variation 2925869 (VCV002925869.3), dbSNP rs758676601, ClinGen allele CA6381732.